The following is an entry in ClinVar:

NM_001135629.3(PPP1R21):c.1797A>T (p.Arg599=)

Gene: PPP1R21 (protein phosphatase 1 regulatory subunit 21; plus strand). Cytogenetic location: 2p16.3.
Variant type: single nucleotide variant.
Coding change: c.1797A>T on transcript NM_001135629.3 (MANE Select); coding-DNA position 1797, A replaced by T.
Protein change: p.Arg599=; no amino-acid change (arginine 599 retained).
Molecular consequence: synonymous variant. On other transcripts: non-coding transcript variant (1).
Genome position (GRCh38, 1-based): chr2:48,498,597, A>T. VCF-style: chr2-48498597-A-T. GRCh37 (hg19) VCF-style: chr2-48725736-A-T.
Other names: c.1704A>T, p.Arg568= (NM_001193475.2); c.1797A>T, p.Arg599= (NM_152994.5).
Identifiers: ClinVar variation 2650896 (VCV002650896.24), dbSNP rs749389184, ClinGen allele CA1651458.
Genomic context (GRCh38, chr2:48,498,597, plus strand): 5'-AGAACATTGGATGTTGGAAGCACAATTAGCCAAAATCAAGCTAGAGAAAGAAAACCAGCG[A>T]ATTGCAGATAAGCTGAAGAATACAGGTAGTGCCCAGCTGGTTGGGCTGGCCCAGGAAAAT-3'
Protein context (NP_001129101.1, residues 589-609): AKIKLEKENQ[Arg599=]IADKLKNTGS

ClinVar aggregate classification (germline): Likely benign (1 of 4 stars; one submission).

Allele frequency attached by ClinVar (database versions not stated): ExAC 0.00001; gnomAD 0.00001; gnomAD exomes 0.00002; TOPMed 0.00003.
gnomAD v4.1: 38 of 1,614,130 alleles (0.0024%); highest among the groups gnomAD compares: Non-Finnish European, 0.0029%; no homozygotes.

Submission:

CeGaT Center for Human Genetics Tuebingen
Classification: Likely benign. Last evaluated: 2024-08-01. Review status: criteria provided, single submitter. Criteria: CeGaT Center For Human Genetics Tuebingen Variant Classification Criteria Version 2. Collection method: clinical testing. Allele origin: germline. Affected: yes. Observed: 1 variant allele.
Comment: PPP1R21: BP4, BP7